The following is an entry in ClinVar:

ClinVar aggregate classification (germline): Uncertain significance. Review status: criteria provided, multiple submitters, no conflicts (2 of 4 stars). 2 submissions from 2 submitters: Uncertain significance (2). Last evaluated 2025-03-30.

Conditions:
Inborn genetic diseases. Identifiers: MedGen C0950123, MeSH D030342.

gnomAD v4.1: 4 of 1,611,560 alleles (0.00025%); highest among the groups gnomAD compares: Non-Finnish European, 0.00025%; no homozygotes.

Submissions (2):

Labcorp Genetics (formerly Invitae), Labcorp
Classification: Uncertain significance. Last evaluated: 2025-03-30. Review status: criteria provided, single submitter. Criteria: Invitae Variant Classification Sherloc (09022015). Collection method: clinical testing. Allele origin: germline.
Comment: This sequence change replaces threonine, which is neutral and polar, with isoleucine, which is neutral and non-polar, at codon 9 of the HNRNPK protein (p.Thr9Ile). This variant is present in population databases (no rsID available, gnomAD 0.01%). This variant has not been reported in the literature in individuals affected with HNRNPK-related conditions. ClinVar contains an entry for this variant (Variation ID: 3526102). An algorithm developed to predict the effect of missense changes on protein structure and function (PolyPhen-2) suggests that this variant is likely to be tolerated. In summary, the available evidence is currently insufficient to determine the role of this variant in disease. Therefore, it has been classified as a Variant of Uncertain Significance.

Ambry Genetics
Classification: Uncertain significance for Inborn genetic diseases. Last evaluated: 2024-11-26. Review status: criteria provided, single submitter. Criteria: Ambry Variant Classification Scheme 2023. Collection method: clinical testing. Allele origin: germline.

NM_031263.4(HNRNPK):c.26C>T (p.Thr9Ile)

Gene: HNRNPK (heterogeneous nuclear ribonucleoprotein K; minus strand). Cytogenetic location: 9q21.32.
Variant type: single nucleotide variant.
Coding change: c.26C>T on transcript NM_031263.4 (MANE Select); coding-DNA position 26, C replaced by T.
Protein change: p.Thr9Ile; replaces threonine 9 with isoleucine.
Molecular consequence: missense variant.
Genome position (GRCh38, 1-based): chr9:83,978,227, G>A on the plus strand (C>T on the coding strand, the complement: HNRNPK is on the minus strand). VCF-style: chr9-83978227-G-A. GRCh37 (hg19) VCF-style: chr9-86593142-G-A.
Other names: c.26C>T, p.Thr9Ile (NM_001318186.2, NM_001318187.2, NM_001318188.2 and 2 more transcripts); short protein forms T9I.
Identifiers: ClinVar variation 3526102 (VCV003526102.2).